The following is an entry in ClinVar:

NM_001365999.1(SZT2):c.10002C>G (p.Tyr3334Ter)

Genes: SZT2 (SZT2 subunit of KICSTOR complex; plus strand), SZT2-AS1 (SZT2 antisense RNA 1; minus strand). Cytogenetic location: 1p34.2.
Variant type: single nucleotide variant.
Coding change: c.10002C>G on transcript NM_001365999.1 (MANE Select); coding-DNA position 10002, C replaced by G.
Protein change: p.Tyr3334Ter; replaces tyrosine 3334 with a stop codon.
Molecular consequence: nonsense. On other transcripts: non-coding transcript variant (1).
Genome position (GRCh38, 1-based): chr1:43,448,644, C>G. VCF-style: chr1-43448644-C-G. GRCh37 (hg19) VCF-style: chr1-43914315-C-G.
Other names: c.9831C>G, p.Tyr3277Ter (NM_015284.4); c.1443C>G, p.Tyr481Ter (NM_024547.1); short protein forms Y3334*, Y481*, Y3277*.
Identifiers: ClinVar variation 2025422 (VCV002025422.4), dbSNP rs1391105203, ClinGen allele CA340046358.

ClinVar aggregate classification (germline): Pathogenic (1 of 4 stars; one submission).

Submission:

Labcorp Genetics (formerly Invitae), Labcorp
Classification: Pathogenic. Last evaluated: 2024-05-15. Review status: criteria provided, single submitter. Criteria: Invitae Variant Classification Sherloc (09022015). Collection method: clinical testing. Allele origin: germline.
Comment: This sequence change creates a premature translational stop signal (p.Tyr3277*) in the SZT2 gene. It is expected to result in an absent or disrupted protein product. Loss-of-function variants in SZT2 are known to be pathogenic (PMID: 23932106, 27248490, 28556953). This variant is not present in population databases (gnomAD no frequency). This variant has not been reported in the literature in individuals affected with SZT2-related conditions. ClinVar contains an entry for this variant (Variation ID: 2025422). For these reasons, this variant has been classified as Pathogenic.

Literature cited by the submitters: PubMed 23932106; PubMed 27248490; PubMed 28556953.